The following is an entry in ClinVar:

ClinVar aggregate classification (germline): Likely pathogenic. Review status: criteria provided, single submitter (1 of 4 stars). 2 submissions from 2 submitters: Likely pathogenic (1). 1 of the submissions does not count toward it. Last evaluated 2024-02-23.

Conditions:
Glycogen storage disease type III (GSD3). Also called: FORBES DISEASE; Cori disease. Identifiers: Orphanet 366, MedGen C0017922, MONDO:0009291, OMIM 232400.

Submissions (2):

Labcorp Genetics (formerly Invitae), Labcorp
Classification: Likely pathogenic for Glycogen storage disease type III. Last evaluated: 2024-02-23. Review status: criteria provided, single submitter. Criteria: Invitae Variant Classification Sherloc (09022015). Collection method: clinical testing. Allele origin: germline.
Comment: This sequence change affects a donor splice site in intron 2 of the AGL gene. It is expected to disrupt RNA splicing. Variants that disrupt the donor or acceptor splice site typically lead to a loss of protein function (PMID: 16199547), and loss-of-function variants in AGL are known to be pathogenic (PMID: 19299494). This variant is not present in population databases (gnomAD no frequency). Disruption of this splice site has been observed in individual(s) with glycogen storage disease (PMID: 25388549). ClinVar contains an entry for this variant (Variation ID: 555731). Algorithms developed to predict the effect of sequence changes on RNA splicing suggest that this variant may disrupt the consensus splice site. In summary, the currently available evidence indicates that the variant is pathogenic, but additional data are needed to prove that conclusively. Therefore, this variant has been classified as Likely Pathogenic.

Counsyl
Classification: Likely pathogenic for Glycogen storage disease type III. Last evaluated: 2017-12-27. Review status: no assertion criteria provided. Collection method: clinical testing. Allele origin: unknown. Not counted in ClinVar's aggregate classification.

Literature cited by the submitters: PubMed 16199547 (cited by Labcorp Genetics (formerly Invitae), Labcorp); PubMed 19299494 (cited by Labcorp Genetics (formerly Invitae), Labcorp); PubMed 25388549 (cited by Labcorp Genetics (formerly Invitae), Labcorp and Counsyl).

NM_000642.3(AGL):c.82+1G>A

Gene: AGL (amylo-alpha-1,6-glucosidase and 4-alpha-glucanotransferase; plus strand). Cytogenetic location: 1p21.2.
Variant type: single nucleotide variant.
Coding change: c.82+1G>A on transcript NM_000642.3 (MANE Select); the canonical splice donor site of the intron after coding-DNA position 82, G replaced by A.
Molecular consequence: splice donor variant.
Genome position (GRCh38, 1-based): chr1:99,851,125, G>A. VCF-style: chr1-99851125-G-A. GRCh37 (hg19) VCF-style: chr1-100316681-G-A.
Other names: c.82+1G>A (NM_000643.3, NM_000644.3, NM_001425326.1 and 6 more transcripts); c.-110+1G>A (NM_000646.3).
Identifiers: ClinVar variation 555731 (VCV000555731.4), dbSNP rs1354714214, ClinGen allele CA341323909.